The following is an entry in ClinVar:

ClinVar aggregate classification (germline): Benign. Review status: criteria provided, multiple submitters, no conflicts (2 of 4 stars). 3 submissions from 3 submitters: Benign (3). Last evaluated 2018-11-12.

Allele frequency attached by ClinVar (database versions not stated): ESP Exome Variant Server 0.16913; TOPMed 0.18276; 1000 Genomes Project 30x 0.22673; 1000 Genomes Project 0.23203.
gnomAD v4.1: 265,994 of 1,306,846 alleles (20%); highest among the groups gnomAD compares: East Asian, 46%; 28,524 homozygotes.

Submissions (13):

GeneDx
Classification: Benign. Last evaluated: 2018-11-12. Review status: criteria provided, single submitter. Criteria: GeneDx Variant Classification Process June 2021. Collection method: clinical testing. Allele origin: germline. Affected: yes.

Laboratory for Molecular Medicine, Mass General Brigham Personalized Medicine
Classification: Benign. Last evaluated: 2016-03-29. Review status: criteria provided, single submitter. Criteria: LMM Criteria. Collection method: clinical testing. Allele origin: germline.
Comment: Variant identified in a genome or exome case(s) and assessed due to predicted null impact of the variant or pathogenic assertions in the literature or databases. Disclaimer: This variant has not undergone full assessment. The following are preliminary notes: Frequency

Breakthrough Genomics
Classification: Benign. Review status: criteria provided, single submitter. Criteria: ACMG Guidelines, 2015. Collection method: not provided. Allele origin: germline. Inheritance: Autosomal dominant inheritance. Affected: yes.

Dr. Peter K. Rogan Lab, Western University
No classification provided (evidence only). Condition: Malignant lymphoma, large B-cell, diffuse. Review status: no classification provided. Collection method: in vitro. Allele origin: not applicable. Functional consequence: retained intron. Not counted in ClinVar's aggregate classification.

Dr. Peter K. Rogan Lab, Western University
No classification provided (evidence only). Condition: Hepatocellular carcinoma. Review status: no classification provided. Collection method: in vitro. Allele origin: not applicable. Functional consequence: skipped exon, retained intron. Not counted in ClinVar's aggregate classification.

Dr. Peter K. Rogan Lab, Western University
No classification provided (evidence only). Condition: Uterine carcinosarcoma. Review status: no classification provided. Collection method: in vitro. Allele origin: not applicable. Functional consequence: retained intron. Not counted in ClinVar's aggregate classification.

Dr. Peter K. Rogan Lab, Western University
No classification provided (evidence only). Condition: Uterine carcinosarcoma. Review status: no classification provided. Collection method: in vitro. Allele origin: not applicable. Functional consequence: skipped exon. Not counted in ClinVar's aggregate classification.

Dr. Peter K. Rogan Lab, Western University
No classification provided (evidence only). Condition: Uterine carcinosarcoma. Review status: no classification provided. Collection method: in vitro. Allele origin: not applicable. Functional consequence: skipped exon. Not counted in ClinVar's aggregate classification.

Dr. Peter K. Rogan Lab, Western University
No classification provided (evidence only). Condition: Uterine carcinosarcoma. Review status: no classification provided. Collection method: in vitro. Allele origin: not applicable. Functional consequence: retained intron. Not counted in ClinVar's aggregate classification.

Dr. Peter K. Rogan Lab, Western University
No classification provided (evidence only). Condition: Uterine carcinosarcoma. Review status: no classification provided. Collection method: in vitro. Allele origin: not applicable. Functional consequence: skipped exon, retained intron. Not counted in ClinVar's aggregate classification.

Dr. Peter K. Rogan Lab, Western University
No classification provided (evidence only). Condition: Uterine carcinosarcoma. Review status: no classification provided. Collection method: in vitro. Allele origin: not applicable. Functional consequence: skipped exon, retained intron. Not counted in ClinVar's aggregate classification.

Dr. Peter K. Rogan Lab, Western University
No classification provided (evidence only). Condition: Uterine carcinosarcoma. Review status: no classification provided. Collection method: in vitro. Allele origin: not applicable. Functional consequence: retained intron. Not counted in ClinVar's aggregate classification.

Dr. Peter K. Rogan Lab, Western University
No classification provided (evidence only). Condition: Uterine carcinosarcoma. Review status: no classification provided. Collection method: in vitro. Allele origin: not applicable. Functional consequence: retained intron. Not counted in ClinVar's aggregate classification.

NM_007166.4(PICALM):c.766-15A>G

Gene: PICALM (phosphatidylinositol binding clathrin assembly protein; minus strand). Cytogenetic location: 11q14.2.
Variant type: single nucleotide variant.
Coding change: c.766-15A>G on transcript NM_007166.4 (MANE Select); 15 bases into the intron before coding-DNA position 766, A replaced by G.
Molecular consequence: intron variant.
Genome position (GRCh38, 1-based): chr11:86,007,598, T>C on the plus strand (A>G on the coding strand, the complement: PICALM is on the minus strand). VCF-style: chr11-86007598-T-C. GRCh37 (hg19) VCF-style: chr11-85718641-T-C.
Other names: c.613-15A>G (NM_001206947.2); c.766-15A>G (NM_001008660.3, NM_001206946.2).
Identifiers: ClinVar variation 403298 (VCV000403298.9), dbSNP rs10792821, ClinGen allele CA6216005.